The following is an entry in ClinVar:

NM_003590.5(CUL3):c.*3463T>C

Gene: CUL3 (cullin 3; minus strand). Cytogenetic location: 2q36.2.
Variant type: single nucleotide variant.
Coding change: c.*3463T>C on transcript NM_003590.5 (MANE Select); 3463 bases downstream of the stop codon, T replaced by C.
Molecular consequence: 3 prime UTR variant.
Genome position (GRCh38, 1-based): chr2:224,470,782, A>G on the plus strand (T>C on the coding strand, the complement: CUL3 is on the minus strand). VCF-style: chr2-224470782-A-G. GRCh37 (hg19) VCF-style: chr2-225335499-A-G.
Other names: c.*3463T>C (NM_001257197.2, NM_001257198.2).
Identifiers: ClinVar variation 334578 (VCV000334578.6), dbSNP rs76433087, ClinGen allele CA10612913.

ClinVar aggregate classification (germline): Benign (1 of 4 stars; one submission).

Conditions:
Pseudohypoaldosteronism type 2E (PHA2E). Also called: Pseudohypoaldosteronism Type IIE. Identifiers: Orphanet 300530, Orphanet 757, MedGen C3469606, MONDO:0013782, OMIM 614496.

Allele frequency attached by ClinVar (database versions not stated): gnomAD exomes 0.00133; 1000 Genomes Project 0.00519; 1000 Genomes Project 30x 0.00562; gnomAD 0.00570; TOPMed 0.00671.
gnomAD v4.1: 1,006 of 231,746 alleles (0.43%); highest among the groups gnomAD compares: African/African-American, 2%; 13 homozygotes.

Submission:

Illumina Laboratory Services, Illumina
Classification: Benign for Pseudohypoaldosteronism type 2E. Last evaluated: 2018-01-13. Review status: criteria provided, single submitter. Criteria: ICSL Variant Classification Criteria 13 December 2019. Collection method: clinical testing. Allele origin: germline.
Comment: This variant was observed in the ICSL laboratory as part of a predisposition screen in an ostensibly healthy population. It had not been previously curated by ICSL or reported in the Human Gene Mutation Database (HGMD: prior to June 1st, 2018), and was therefore a candidate for classification through an automated scoring system. Utilizing variant allele frequency, disease prevalence and penetrance estimates, and inheritance mode, an automated score was calculated to assess if this variant is too frequent to cause the disease. Based on the score and internal cut-off values, a variant classified as benign is not then subjected to further curation. The score for this variant resulted in a classification of benign for this disease.